The following is an entry in ClinVar:

ClinVar aggregate classification (germline): Conflicting classifications of pathogenicity. Review status: criteria provided, conflicting classifications (1 of 4 stars). 6 submissions from 5 submitters: Uncertain significance (3); Likely benign (2). 1 of the submissions does not count toward it. Last evaluated 2026-01-19.

Conditions:
Cardiovascular phenotype. Identifiers: MedGen CN230736.
Hereditary cancer-predisposing syndrome. Also called: Tumor predisposition; Hereditary Cancer Syndrome; Hereditary neoplastic syndrome; Neoplastic Syndromes, Hereditary. Identifiers: Orphanet 140162, MedGen C0027672, MeSH D009386, MONDO:0015356.
NF1-related disorder. Also called: NF1-related condition. Identifiers: MedGen CN379171.
Neurofibromatosis, type 1 (NF1). Also called: VON RECKLINGHAUSEN DISEASE; NEUROFIBROMATOSIS, TYPE I, SOMATIC; Peripheral type neurofibromatosis; Neurofibromatosis, type I. Identifiers: Orphanet 636, MedGen C0027831, MONDO:0018975, OMIM 162200. Disease mechanism: loss of function.

Allele frequency attached by ClinVar (database versions not stated): gnomAD exomes 0.00001 and 0.00002; TOPMed 0.00001; gnomAD 0.00003.
gnomAD v4.1: 25 of 1,592,160 alleles (0.0016%); highest among the groups gnomAD compares: Non-Finnish European, 0.0021%; no homozygotes.

Submissions (6):

Labcorp Genetics (formerly Invitae), Labcorp
Classification: Likely benign for Neurofibromatosis, type 1. Last evaluated: 2026-01-19. Review status: criteria provided, single submitter. Criteria: Invitae Variant Classification Sherloc (09022015). Collection method: clinical testing. Allele origin: germline.

GeneDx
Classification: Uncertain significance. Last evaluated: 2023-05-08. Review status: criteria provided, single submitter. Criteria: GeneDx Variant Classification Process June 2021. Collection method: clinical testing. Allele origin: germline. Affected: yes.
Comment: Has not been previously published as pathogenic or benign to our knowledge; In silico analysis is inconclusive as to whether the variant alters gene splicing. In the absence of RNA/functional studies, the actual effect of this sequence change is unknown.

Genome-Nilou Lab
Classification: Uncertain significance for Neurofibromatosis, type 1. Last evaluated: 2022-03-15. Review status: criteria provided, single submitter. Criteria: ACMG Guidelines, 2015. Collection method: clinical testing. Allele origin: germline. Affected: no.

Ambry Genetics
Classification: Likely benign for Cardiovascular phenotype; Hereditary cancer-predisposing syndrome. Last evaluated: 2019-09-09. Review status: criteria provided, single submitter. Criteria: Ambry Variant Classification Scheme 2023. Collection method: clinical testing. Allele origin: germline.

Ambry Genetics
Classification: Uncertain significance for Hereditary cancer-predisposing syndrome. Last evaluated: 2015-09-17. Review status: criteria provided, single submitter. Criteria: Ambry Autosomal Dominant and X-Linked criteria (10/2015). Collection method: clinical testing. Allele origin: germline. Observed: 1 variant allele.
Comment: The c.4835+5G>C intronic variant results from a G to C substitution 5 nucleotides after coding exon 36 in the NF1 gene. This variant was not reported in population based cohorts in the following databases: Database of Single Nucleotide Polymorphisms (dbSNP), NHLBI Exome Sequencing Project (ESP), and 1000 Genomes Project. In the ESP, this variant was not observed in 6495 samples (12990 alleles) with coverage at this position.<span style="background-color:initial">To date, this alteration has been detected with an allele frequency of approximately 0.004% (greater than 55000 alleles tested) in our clinical cohort.<span style="background-color:initial">This nucleotide position is highly conserved in available vertebrate species. Using the BDGP and ESEfinder splice site prediction tools, this alteration is predicted to weaken the efficiency of the native donor splice site; however, direct evidence is unavailable.<span style="background-color:initial">Since supporting evidence is limited at this time, the clinical significance of c.4835+5G>C remains unclear.

PreventionGenetics, part of Exact Sciences
Classification: Likely benign for NF1-related condition. Last evaluated: 2023-05-31. Review status: no assertion criteria provided. Collection method: clinical testing. Allele origin: germline. Not counted in ClinVar's aggregate classification.
Comment: This variant is classified as likely benign based on ACMG/AMP sequence variant interpretation guidelines (Richards et al. 2015 PMID: 25741868, with internal and published modifications).

NM_001042492.3(NF1):c.4835+5G>C

Gene: NF1 (neurofibromin 1; plus strand). Cytogenetic location: 17q11.2.
Variant type: single nucleotide variant.
Coding change: c.4835+5G>C on transcript NM_001042492.3 (MANE Select); 5 bases into the intron after coding-DNA position 4835, G replaced by C.
Molecular consequence: intron variant.
Genome position (GRCh38, 1-based): chr17:31,265,344, G>C. VCF-style: chr17-31265344-G-C. GRCh37 (hg19) VCF-style: chr17-29592362-G-C.
Other names: c.4772+5G>C (NM_000267.4).
Identifiers: ClinVar variation 184157 (VCV000184157.16), dbSNP rs786201306, ClinGen allele CA188009.